The following is an entry in ClinVar:

ClinVar aggregate classification (germline): Uncertain significance. Review status: criteria provided, multiple submitters, no conflicts (2 of 4 stars). 2 submissions from 2 submitters: Uncertain significance (2). Last evaluated 2025-06-12.

Allele frequency attached by ClinVar (database versions not stated): gnomAD exomes below 0.00001; gnomAD 0.00003 and 0.00004; TOPMed 0.00006.
gnomAD v4.1: 8 of 1,209,083 alleles (0.00066%); highest among the groups gnomAD compares: Admixed American, 0.0088%; no homozygotes.

Submissions (2):

Labcorp Genetics (formerly Invitae), Labcorp
Classification: Uncertain significance. Last evaluated: 2025-06-12. Review status: criteria provided, single submitter. Criteria: Invitae Variant Classification Sherloc (09022015). Collection method: clinical testing. Allele origin: germline.
Comment: This sequence change replaces leucine, which is neutral and non-polar, with phenylalanine, which is neutral and non-polar, at codon 649 of the SH3KBP1 protein (p.Leu649Phe). This variant is present in population databases (no rsID available, gnomAD no frequency). This variant has not been reported in the literature in individuals affected with SH3KBP1-related conditions. ClinVar contains an entry for this variant (Variation ID: 1054830). Invitae Evidence Modeling of protein sequence and biophysical properties (such as structural, functional, and spatial information, amino acid conservation, physicochemical variation, residue mobility, and thermodynamic stability) indicates that this missense variant is expected to disrupt SH3KBP1 protein function with a positive predictive value of 80%. In summary, the available evidence is currently insufficient to determine the role of this variant in disease. Therefore, it has been classified as a Variant of Uncertain Significance.

Ambry Genetics
Classification: Uncertain significance. Last evaluated: 2024-01-02. Review status: criteria provided, single submitter. Criteria: Ambry Variant Classification Scheme 2023. Collection method: clinical testing. Allele origin: germline.

NM_031892.3(SH3KBP1):c.1945C>T (p.Leu649Phe)

Gene: SH3KBP1 (SH3 domain containing kinase binding protein 1; minus strand). Cytogenetic location: Xp22.12.
Variant type: single nucleotide variant.
Coding change: c.1945C>T on transcript NM_031892.3 (MANE Select); coding-DNA position 1945, C replaced by T.
Protein change: p.Leu649Phe; replaces leucine 649 with phenylalanine.
Molecular consequence: missense variant.
Genome position (GRCh38, 1-based): chrX:19,537,728, G>A on the plus strand (C>T on the coding strand, the complement: SH3KBP1 is on the minus strand). VCF-style: chrX-19537728-G-A. GRCh37 (hg19) VCF-style: chrX-19555846-G-A.
Other names: c.1834C>T, p.Leu612Phe (NM_001024666.3); c.1231C>T, p.Leu411Phe (NM_001184960.2); c.1816C>T, p.Leu606Phe (NM_001353890.2); c.2020C>T, p.Leu674Phe (NM_001353891.2); c.1891C>T, p.Leu631Phe (NM_001353892.2); c.1843C>T, p.Leu615Phe (NM_001353893.2); c.1714C>T, p.Leu572Phe (NM_001353894.2); c.1771C>T, p.Leu591Phe (NM_001353895.2); and 2 more; short protein forms L368F, L411F, L572F, L591F, L606F, L612F, L615F, L631F.
Identifiers: ClinVar variation 1054830 (VCV001054830.10), dbSNP rs1232231428, ClinGen allele CA412495172.
Genomic context (GRCh38, chrX:19,537,728, plus strand): 5'-GCCCCACTGAGCCTAGGACTCACGGGCAGCAGAACCCAAAGGGACGCACCTGCAACCGAA[G>A]CCGGATTTTCTTCTCTTCATCCAACTCAGACAATAACTGTTTAATCTCTCGTCTGAAAAG-3'
Protein context (NP_114098.1, residues 639-659): SELDEEKKIR[Leu649Phe]RLQMEVNDIK